The following is an entry in ClinVar:

NM_001009944.3(PKD1):c.4253C>G (p.Thr1418Ser)

Gene: PKD1 (polycystin 1, transient receptor potential channel interacting; minus strand). Cytogenetic location: 16p13.3.
Variant type: single nucleotide variant.
Coding change: c.4253C>G on transcript NM_001009944.3 (MANE Select); coding-DNA position 4253, C replaced by G.
Protein change: p.Thr1418Ser; replaces threonine 1418 with serine.
Molecular consequence: missense variant.
Genome position (GRCh38, 1-based): chr16:2,110,914, G>C on the plus strand (C>G on the coding strand, the complement: PKD1 is on the minus strand). VCF-style: chr16-2110914-G-C. GRCh37 (hg19) VCF-style: chr16-2160915-G-C.
Other names: c.4253C>G, p.Thr1418Ser (NM_000296.4); short protein forms T1418S.
Identifiers: ClinVar variation 3579534 (VCV003579534.3).

ClinVar aggregate classification (germline): Uncertain significance. Review status: criteria provided, multiple submitters, no conflicts (2 of 4 stars). 3 submissions from 3 submitters: Uncertain significance (3). Last evaluated 2026-09-14.

Conditions:
PKD1-related disorder. Also called: PKD1-related condition.
Polycystic kidney disease, adult type (PKD1). Also called: Polycystic Kidney Disease 1, Autosomal Dominant; Polycystic kidney disease 1; Polycystic kidney disease 1, severe; Polycystic Kidney, Autosomal Dominant; POLYCYSTIC KIDNEY DISEASE, ADULT, TYPE I; POLYCYSTIC KIDNEY DISEASE 1 WITH OR WITHOUT POLYCYSTIC LIVER DISEASE. Identifiers: MedGen C3149841, MONDO:0008263, OMIM 173900.

gnomAD v4.1: 6 of 1,611,214 alleles (0.00037%); highest among the groups gnomAD compares: Admixed American, 0.01%; no homozygotes.

Submissions (3):

PreventionGenetics, part of Exact Sciences
Classification: Uncertain significance for PKD1-related condition. Last evaluated: 2026-09-14. Review status: criteria provided, single submitter. Criteria: ACMG Guidelines, 2015. Collection method: clinical testing. Allele origin: germline.
Comment: The PKD1 c.4253C>G variant is predicted to result in the amino acid substitution p.Thr1418Ser. To our knowledge, this variant has not been reported in the literature. This variant is reported in 0.0029% of alleles in individuals of Latino descent in gnomAD. At this time, the clinical significance of this variant is uncertain due to the absence of conclusive functional and genetic evidence.

GeneDx
Classification: Uncertain significance. Last evaluated: 2025-03-05. Review status: criteria provided, single submitter. Criteria: GeneDx Variant Classification Process June 2021. Collection method: clinical testing. Allele origin: germline. Affected: yes.
Comment: Not observed at significant frequency in large population cohorts (gnomAD); In silico analysis indicates that this missense variant does not alter protein structure/function; Has not been previously published as pathogenic or benign to our knowledge

Fulgent Genetics
Classification: Uncertain significance for Polycystic kidney disease, adult type. Last evaluated: 2024-03-07. Review status: criteria provided, single submitter. Criteria: ACMG Guidelines, 2015. Collection method: clinical testing. Allele origin: germline.